The following is an entry in ClinVar:

NM_184085.2(TRIM55):c.66G>A (p.Lys22=)

Gene: TRIM55 (tripartite motif containing 55; plus strand). Cytogenetic location: 8q13.1.
Variant type: single nucleotide variant.
Coding change: c.66G>A on transcript NM_184085.2 (MANE Select); coding-DNA position 66, G replaced by A.
Protein change: p.Lys22=; no amino-acid change (lysine 22 retained).
Molecular consequence: synonymous variant.
Genome position (GRCh38, 1-based): chr8:66,127,334, G>A. VCF-style: chr8-66127334-G-A. GRCh37 (hg19) VCF-style: chr8-67039569-G-A.
Other names: c.66G>A, p.Lys22= (NM_033058.3, NM_184086.2, NM_184087.2).
Identifiers: ClinVar variation 3044553 (VCV003044553.2), dbSNP rs370465107, ClinGen allele CA4765559.

ClinVar aggregate classification (germline): Likely benign (0 of 4 stars; one submission).

Conditions:
TRIM55-related disorder. Also called: TRIM55-related condition.

Allele frequency attached by ClinVar (database versions not stated): gnomAD exomes 0.00007; ESP Exome Variant Server 0.00008; gnomAD 0.00008; TOPMed 0.00011; ExAC 0.00012.
gnomAD v4.1: 124 of 1,614,046 alleles (0.0077%); highest among the groups gnomAD compares: Admixed American, 0.023%; no homozygotes.

Submission:

PreventionGenetics, part of Exact Sciences
Classification: Likely benign for TRIM55-related condition. Last evaluated: 2019-03-01. Review status: no assertion criteria provided. Collection method: clinical testing. Allele origin: germline.
Comment: This variant is classified as likely benign based on ACMG/AMP sequence variant interpretation guidelines (Richards et al. 2015 PMID: 25741868, with internal and published modifications).